The following is an entry in ClinVar:

ClinVar aggregate classification (germline): Conflicting classifications of pathogenicity. Review status: criteria provided, conflicting classifications (1 of 4 stars). 2 submissions from 2 submitters: Uncertain significance (1); Benign (1). Last evaluated 2024-12-03.

Conditions:
CREBBP-related disorder. Also called: CREBBP-related condition; CREBBP-related disorders.
Rubinstein-Taybi syndrome (RSTS). Identifiers: Orphanet 783, MedGen C0035934, MONDO:0019188.

gnomAD v4.1: 10 of 1,612,030 alleles (0.00062%); highest among the groups gnomAD compares: African/African-American, 0.0067%; no homozygotes.

Submissions (2):

PreventionGenetics, part of Exact Sciences
Classification: Uncertain significance for CREBBP-related condition. Last evaluated: 2024-12-03. Review status: criteria provided, single submitter. Criteria: ACMG Guidelines, 2015. Collection method: clinical testing. Allele origin: germline.
Comment: The CREBBP c.6712G>A variant is predicted to result in the amino acid substitution p.Gly2238Arg. To our knowledge, this variant has not been reported in the literature. This variant is reported in 0.019% of alleles in individuals of African descent in gnomAD. Although we suspect that this variant may be benign, at this time, the clinical significance of this variant is uncertain due to the absence of conclusive functional and genetic evidence.

Labcorp Genetics (formerly Invitae), Labcorp
Classification: Benign for Rubinstein-Taybi syndrome. Last evaluated: 2024-11-05. Review status: criteria provided, single submitter. Criteria: Invitae Variant Classification Sherloc (09022015). Collection method: clinical testing. Allele origin: germline.

NM_004380.3(CREBBP):c.6712G>A (p.Gly2238Arg)

Gene: CREBBP (CREB binding lysine acetyltransferase; minus strand). Cytogenetic location: 16p13.3.
Variant type: single nucleotide variant.
Coding change: c.6712G>A on transcript NM_004380.3 (MANE Select); coding-DNA position 6712, G replaced by A.
Protein change: p.Gly2238Arg; replaces glycine 2238 with arginine.
Molecular consequence: missense variant.
Genome position (GRCh38, 1-based): chr16:3,728,335, C>T on the plus strand (G>A on the coding strand, the complement: CREBBP is on the minus strand). VCF-style: chr16-3728335-C-T. GRCh37 (hg19) VCF-style: chr16-3778336-C-T.
Other names: c.6598G>A, p.Gly2200Arg (NM_001079846.1); c.6712G>A (NM_004380.2); short protein forms G2200R, G2238R.
Identifiers: ClinVar variation 3632502 (VCV003632502.3).